The following is an entry in ClinVar:

NM_000384.3(APOB):c.2546C>T (p.Ser849Phe)

Gene: APOB (apolipoprotein B; minus strand). Cytogenetic location: 2p24.1.
Variant type: single nucleotide variant.
Coding change: c.2546C>T on transcript NM_000384.3 (MANE Select); coding-DNA position 2546, C replaced by T.
Protein change: p.Ser849Phe; replaces serine 849 with phenylalanine.
Molecular consequence: missense variant.
Genome position (GRCh38, 1-based): chr2:21,023,583, G>A on the plus strand (C>T on the coding strand, the complement: APOB is on the minus strand). VCF-style: chr2-21023583-G-A. GRCh37 (hg19) VCF-style: chr2-21246455-G-A.
Other names: short protein forms S849F.
Identifiers: ClinVar variation 4794782 (VCV004794782.1).
Genomic context (GRCh38, chr2:21,023,583, plus strand): 5'-ACGTTGGCTACTTCCAGTTTTACTCCAGCCTTGGCTCCGGGAGCAATGACTCCAGATGAA[G>A]ATATTTGCAACTGTAATCCAGCTCCAGTGGGGAGTTCAAAGGCATTCTCCATGAAGATGT-3'
Protein context (NP_000375.3, residues 839-859): PTGAGLQLQI[Ser849Phe]SSGVIAPGAK

ClinVar aggregate classification (germline): Uncertain significance (1 of 4 stars; one submission).

Conditions:
Familial hypobetalipoproteinemia 1. Also called: Hypobetalipoproteinemia, normotriglyceridemic; Acanthocytosis with hypobetalipoproteinemia; APOB-Related Familial Hypobetalipoproteinemia. Identifiers: MedGen C4551990, MONDO:0014252, OMIM 615558.
Hypercholesterolemia, autosomal dominant, type B (FHCL2). Also called: Familial Hypercholesterolemia Type B; APOLIPOPROTEIN B-100, FAMILIAL DEFECTIVE; APOLIPOPROTEIN B-100, FAMILIAL LIGAND-DEFECTIVE; HYPERCHOLESTEROLEMIA, FAMILIAL, DUE TO LIGAND-DEFECTIVE APOLIPOPROTEIN B; APOB-Related Familial Hypercholesterolemia, Autosomal Dominant; Hyperlipoproteinemia Type IIb. Identifiers: MedGen C1704417, MONDO:0007751, OMIM 144010.

Submission:

Labcorp Genetics (formerly Invitae), Labcorp
Classification: Uncertain significance for Familial hypobetalipoproteinemia 1; Hypercholesterolemia, autosomal dominant, type B. Last evaluated: 2025-05-19. Review status: criteria provided, single submitter. Criteria: Invitae Variant Classification Sherloc (09022015). Collection method: clinical testing. Allele origin: germline.
Comment: This sequence change replaces serine, which is neutral and polar, with phenylalanine, which is neutral and non-polar, at codon 849 of the APOB protein (p.Ser849Phe). This variant is not present in population databases (gnomAD no frequency). This variant has not been reported in the literature in individuals affected with APOB-related conditions. Invitae Evidence Modeling of protein sequence and biophysical properties (such as structural, functional, and spatial information, amino acid conservation, physicochemical variation, residue mobility, and thermodynamic stability) indicates that this missense variant is not expected to disrupt APOB protein function with a negative predictive value of 95%. In summary, the available evidence is currently insufficient to determine the role of this variant in disease. Therefore, it has been classified as a Variant of Uncertain Significance.